The following is an entry in ClinVar:

NM_001034853.2(RPGR):c.2807_2808delinsGAAGGAGAAGGGGAAGGGGAGGAT (p.Glu936fs)

Gene: RPGR (retinitis pigmentosa GTPase regulator; minus strand). Cytogenetic location: Xp11.4.
Variant type: Indel.
Coding change: c.2807_2808delinsGAAGGAGAAGGGGAAGGGGAGGAT on transcript NM_001034853.2 (MANE Select); coding-DNA positions 2807 to 2808, AA replaced by GAAGGAGAAGGGGAAGGGGAGGAT.
Protein change: p.Glu936fs; shifts the reading frame from glutamic acid 936.
Molecular consequence: frameshift variant. On other transcripts: intron variant (8).
Genome position (GRCh38, 1-based): chrX:38,286,191-38,286,192, TT replaced by ATCCTCCCCTTCCCCTTCTCCTTC on the plus strand (AA replaced by GAAGGAGAAGGGGAAGGGGAGGAT on the coding strand, the reverse complement: RPGR is on the minus strand). VCF-style: chrX-38286191-TT-ATCCTCCCCTTCCCCTTCTCCTTC. GRCh37 (hg19) VCF-style: chrX-38145444-TT-ATCCTCCCCTTCCCCTTCTCCTTC.
Other names: c.1569+4767_1569+4768delinsGAAGGAGAAGGGGAAGGGGAGGAT (NM_001367249.1, NM_001367250.1); c.1902+902_1902+903delinsGAAGGAGAAGGGGAAGGGGAGGAT (NM_001367245.1); c.1386+4767_1386+4768delinsGAAGGAGAAGGGGAAGGGGAGGAT (NM_001367251.1); c.1719+902_1719+903delinsGAAGGAGAAGGGGAAGGGGAGGAT (NM_001367246.1); c.1572+4767_1572+4768delinsGAAGGAGAAGGGGAAGGGGAGGAT (NM_001367247.1); c.1905+902_1905+903delinsGAAGGAGAAGGGGAAGGGGAGGAT (NM_000328.3); c.1602+4767_1602+4768delinsGAAGGAGAAGGGGAAGGGGAGGAT (NM_001367248.1); short protein forms E936fs.
Identifiers: ClinVar variation 4729532 (VCV004729532.1).

ClinVar aggregate classification (germline): Pathogenic (1 of 4 stars; one submission).

Conditions:
Primary ciliary dyskinesia. Also called: Ciliary dyskinesia. Identifiers: Orphanet 244, MedGen C0008780, MONDO:0016575, HP:0012265.

Submission:

Labcorp Genetics (formerly Invitae), Labcorp
Classification: Pathogenic for Primary ciliary dyskinesia. Last evaluated: 2025-12-17. Review status: criteria provided, single submitter. Criteria: Invitae Variant Classification Sherloc (09022015). Collection method: clinical testing. Allele origin: germline.
Comment: This sequence change creates a premature translational stop signal (p.Glu936Glyfs*150) in the RPGR (ORF15) gene. While this is not anticipated to result in nonsense mediated decay, it is expected to disrupt the last 217 amino acid(s) of the RPGR (ORF15) protein. The frequency data for this variant in the population databases is considered unreliable, as metrics indicate insufficient coverage at this position in the gnomAD database. This variant has not been reported in the literature in individuals affected with RPGR (ORF15)-related conditions. This variant disrupts a region of the RPGR (ORF15) protein in which other variant(s) (p.Leu1130Lysfs*13) have been determined to be pathogenic (PMID: 22264887; internal data). This suggests that this is a clinically significant region of the protein, and that variants that disrupt it are likely to be disease-causing. For these reasons, this variant has been classified as Pathogenic.

Literature cited by the submitters: PubMed 22264887.